The following is an entry in ClinVar:

NM_139343.3(BIN1):c.1162G>A (p.Ala388Thr)

Gene: BIN1 (bridging integrator 1; minus strand). Cytogenetic location: 2q14.3.
Variant type: single nucleotide variant.
Coding change: c.1162G>A on transcript NM_139343.3 (MANE Select); coding-DNA position 1162, G replaced by A.
Protein change: p.Ala388Thr; replaces alanine 388 with threonine.
Molecular consequence: missense variant. On other transcripts: intron variant (12).
Genome position (GRCh38, 1-based): chr2:127,053,982, C>T on the plus strand (G>A on the coding strand, the complement: BIN1 is on the minus strand). VCF-style: chr2-127053982-C-T. GRCh37 (hg19) VCF-style: chr2-127811558-C-T.
Other names: c.1069G>A, p.Ala357Thr (NM_001320641.2); c.1081G>A, p.Ala361Thr (NM_001320642.1); c.1033G>A, p.Ala345Thr (NM_139344.3); c.838-3070G>A (NM_001320634.1); c.910-3070G>A (NM_139351.3); c.910-2739G>A (NM_139350.3); c.910-1620G>A (NM_139349.3); c.1039-2739G>A (NM_139348.3); and 7 more; short protein forms A357T, A388T, A345T, A361T.
Identifiers: ClinVar variation 1916040 (VCV001916040.5), dbSNP rs893152823, ClinGen allele CA55340376.

ClinVar aggregate classification (germline): Uncertain significance (1 of 4 stars; one submission).

Conditions:
Myopathy, centronuclear, 2 (CNM2). Also called: MYOTUBULAR MYOPATHY, AUTOSOMAL RECESSIVE. Identifiers: Orphanet 169186, MedGen CN031787, MONDO:0009709, OMIM 255200.

Allele frequency attached by ClinVar (database versions not stated): TOPMed below 0.00001.
gnomAD v4.1: 2 of 1,551,314 alleles (0.00013%); highest among the groups gnomAD compares: Non-Finnish European, 0.000087%; no homozygotes.

Submission:

Labcorp Genetics (formerly Invitae), Labcorp
Classification: Uncertain significance for Myopathy, centronuclear, 2. Last evaluated: 2022-03-20. Review status: criteria provided, single submitter. Criteria: Invitae Variant Classification Sherloc (09022015). Collection method: clinical testing. Allele origin: germline.
Comment: In summary, the available evidence is currently insufficient to determine the role of this variant in disease. Therefore, it has been classified as a Variant of Uncertain Significance. Algorithms developed to predict the effect of missense changes on protein structure and function are either unavailable or do not agree on the potential impact of this missense change (SIFT: "Deleterious"; PolyPhen-2: "Benign"; Align-GVGD: "Class C0"). This variant has not been reported in the literature in individuals affected with BIN1-related conditions. This variant is not present in population databases (gnomAD no frequency). This sequence change replaces alanine, which is neutral and non-polar, with threonine, which is neutral and polar, at codon 388 of the BIN1 protein (p.Ala388Thr).